The following is an entry in ClinVar:

ClinVar aggregate classification (germline): Likely pathogenic. Review status: criteria provided, multiple submitters, no conflicts (2 of 4 stars). 2 submissions from 2 submitters: Likely pathogenic (2). Last evaluated 2025-11-03.

Conditions:
Developmental and epileptic encephalopathy, 52 (DEE52). Also called: Epileptic encephalopathy, early infantile, 52. Identifiers: MedGen C4479236, MONDO:0033361, OMIM 617350.
Brugada syndrome 5 (BRGDA5). Identifiers: Orphanet 130, Orphanet 871, MedGen C2748541, MONDO:0013015, OMIM 612838.

Submissions (2):

Variantyx, Inc.
Classification: Likely pathogenic for Developmental and epileptic encephalopathy, 52. Last evaluated: 2025-11-03. Review status: criteria provided, single submitter. Criteria: Variantyx Assertion Criteria 2022. Collection method: clinical testing. Allele origin: germline. Inheritance: Autosomal recessive inheritance. Affected: no.
Comment: This is a canonical splicing variant in the SCN1B gene (OMIM: 600235). Pathogenic variants in this gene have been associated with autosomal recessive developmental and epileptic encephalopathy 52. This splicing variant is expected to result in loss of function, which is a known disease mechanism for SCN1B in this disorder (PMID: 23148524, 28218389) (PVS1), and it is absent from control populations (PM2). Based on the current evidence, this variant is classified as likely pathogenic for autosomal recessive developmental and epileptic encephalopathy 52.

Labcorp Genetics (formerly Invitae), Labcorp
Classification: Likely pathogenic for Brugada syndrome 5. Last evaluated: 2025-07-11. Review status: criteria provided, single submitter. Criteria: Invitae Variant Classification Sherloc (09022015). Collection method: clinical testing. Allele origin: germline.
Comment: The SCN1B gene has multiple clinically relevant transcripts. This variant occurs in alternate transcript NM_001037.5, and corresponds to NM_199037.3:c.*5018G>T in the primary transcript. This sequence change affects an acceptor splice site in intron 3 of the SCN1B gene. It is expected to disrupt RNA splicing. Variants that disrupt the donor or acceptor splice site typically lead to a loss of protein function (PMID: 16199547), and loss-of-function variants in SCN1B are known to be pathogenic (PMID: 17629415, 30660056). This variant is not present in population databases (gnomAD no frequency). Disruption of this splice site has been observed in individual(s) with clinical features of autosomal dominant SCN1B-related conditions (PMID: 29655203; internal data). In summary, the currently available evidence indicates that the variant is pathogenic, but additional data are needed to prove that conclusively. Therefore, this variant has been classified as Likely Pathogenic.

Literature cited by the submitters: PubMed 23148524 (cited by Variantyx, Inc.); PubMed 28218389 (cited by Variantyx, Inc.); PubMed 16199547 (cited by Labcorp Genetics (formerly Invitae), Labcorp); PubMed 17629415 (cited by Labcorp Genetics (formerly Invitae), Labcorp); PubMed 30660056 (cited by Labcorp Genetics (formerly Invitae), Labcorp); PubMed 29655203 (cited by Labcorp Genetics (formerly Invitae), Labcorp).

NM_001037.5(SCN1B):c.449-1G>T

Gene: SCN1B (sodium voltage-gated channel beta subunit 1; plus strand). Cytogenetic location: 19q13.11.
Variant type: single nucleotide variant.
Coding change: c.449-1G>T on transcript NM_001037.5 (MANE Select); the canonical splice acceptor site of the intron before coding-DNA position 449, G replaced by T.
Molecular consequence: splice acceptor variant.
Genome position (GRCh38, 1-based): chr19:35,039,116, G>T. VCF-style: chr19-35039116-G-T. GRCh37 (hg19) VCF-style: chr19-35530020-G-T.
Other names: c.350-1G>T (NM_001321605.2).
Identifiers: ClinVar variation 2146865 (VCV002146865.5), dbSNP rs786205835, ClinGen allele CA405329890.